The following is an entry in ClinVar:

NM_002454.3(MTRR):c.1475G>A (p.Trp492Ter)

Gene: MTRR (5-methyltetrahydrofolate-homocysteine methyltransferase reductase; plus strand). Cytogenetic location: 5p15.31.
Variant type: single nucleotide variant.
Coding change: c.1475G>A on transcript NM_002454.3 (MANE Select); coding-DNA position 1475, G replaced by A.
Protein change: p.Trp492Ter; replaces tryptophan 492 with a stop codon.
Molecular consequence: nonsense. On other transcripts: non-coding transcript variant (14).
Genome position (GRCh38, 1-based): chr5:7,892,831, G>A. VCF-style: chr5-7892831-G-A. GRCh37 (hg19) VCF-style: chr5-7892944-G-A.
Other names: c.1475G>A (NM_002454.2); c.1475G>A, p.Trp492Ter (NM_001364440.2, NM_001364441.2, NM_001364442.2 and 1 more transcripts); short protein forms W492*.
Identifiers: ClinVar variation 2172212 (VCV002172212.7), dbSNP rs2479102741, ClinGen allele CA359158995.
Genomic context (GRCh38, chr5:7,892,831, plus strand): 5'-TTGTGGAATTTCTGTCTACTGCCACAACAGAGGTTCTGCGGAAGGGAGTATGTACAGGCT[G>A]GCTGGCCTTGTTGGTTGCTTCAGTTCTTCAGCCAAACATACATGCATCCCATGAAGACAG-3'

ClinVar aggregate classification (germline): Pathogenic/Likely pathogenic. Review status: criteria provided, multiple submitters, no conflicts (2 of 4 stars). 3 submissions from 3 submitters: Pathogenic (1); Likely pathogenic (2). Last evaluated 2025-09-15.

Conditions:
Neural tube defects, folate-sensitive (NTDFS). Also called: NTD, FOLATE-SENSITIVE. Identifiers: Orphanet 823, MedGen C1866558, MONDO:0011120, OMIM 601634.
Methylcobalamin deficiency type cblE (HMAE). Also called: VITAMIN B12-RESPONSIVE HOMOCYSTINURIA, cblE TYPE; HOMOCYSTINURIA-MEGALOBLASTIC ANEMIA, cblE COMPLEMENTATION TYPE; HOMOCYSTINURIA-MEGALOBLASTIC ANEMIA, cblE TYPE. Identifiers: Orphanet 2169, Orphanet 622, MedGen C1856057, MONDO:0009354, OMIM 236270.

Allele frequency attached by ClinVar (database versions not stated): gnomAD exomes below 0.00001.
gnomAD v4.1: 1 of 1,614,178 alleles (0.000062%); highest among the groups gnomAD compares: Non-Finnish European, 0.000085%; no homozygotes.

Submissions (3):

Natera, Inc.
Classification: Likely pathogenic for CblE complementation type homocystinuria-megaloblastic anemia due to defect in cobalamin metabolism. Last evaluated: 2025-09-15. Review status: criteria provided, single submitter. Criteria: Natera Variant Classification Schema (03/2026). Collection method: clinical testing. Allele origin: germline.
Comment: The c.1475G>A variant in MTRR is a nonsense variant predicted to introduce a stop codon at amino acid 492. This variant is expected to result in nonsense mediated decay, truncation, or a dysfunctional protein product. This variant is rare in the general population with a frequency below the threshold expected for the associated phenotype(s). Given the available evidence, this variant is classified as Likely Pathogenic.

Baylor Genetics
Classification: Likely pathogenic for Neural tube defects, folate-sensitive. Last evaluated: 2024-03-26. Review status: criteria provided, single submitter. Criteria: ACMG Guidelines, 2015. Collection method: clinical testing. Allele origin: unknown.

Labcorp Genetics (formerly Invitae), Labcorp
Classification: Pathogenic for Methylcobalamin deficiency type cblE. Last evaluated: 2023-02-17. Review status: criteria provided, single submitter. Criteria: Invitae Variant Classification Sherloc (09022015). Collection method: clinical testing. Allele origin: germline.
Comment: This sequence change creates a premature translational stop signal (p.Trp492*) in the MTRR gene. It is expected to result in an absent or disrupted protein product. Loss-of-function variants in MTRR are known to be pathogenic (PMID: 15714522). This variant is not present in population databases (gnomAD no frequency). This variant has not been reported in the literature in individuals affected with MTRR-related conditions. For these reasons, this variant has been classified as Pathogenic.

Literature cited by the submitters: PubMed 15714522 (cited by Labcorp Genetics (formerly Invitae), Labcorp).